The following is an entry in ClinVar:

NM_001291303.3(FAT4):c.4456C>T (p.Arg1486Trp)

Gene: FAT4 (FAT atypical cadherin 4; plus strand). Cytogenetic location: 4q28.1.
Variant type: single nucleotide variant.
Coding change: c.4456C>T on transcript NM_001291303.3 (MANE Select); coding-DNA position 4456, C replaced by T.
Protein change: p.Arg1486Trp; replaces arginine 1486 with tryptophan.
Molecular consequence: missense variant.
Genome position (GRCh38, 1-based): chr4:125,320,867, C>T. VCF-style: chr4-125320867-C-T. GRCh37 (hg19) VCF-style: chr4-126242022-C-T.
Other names: c.4456C>T, p.Arg1486Trp (NM_001291285.3, NM_024582.6); short protein forms R1486W.
Identifiers: ClinVar variation 2199946 (VCV002199946.1), dbSNP rs771110417, ClinGen allele CA3072467.

ClinVar aggregate classification (germline): Uncertain significance (1 of 4 stars; one submission).

Allele frequency attached by ClinVar (database versions not stated): TOPMed 0.00001; ExAC 0.00002; gnomAD 0.00002; gnomAD exomes 0.00002.
gnomAD v4.1: 30 of 1,614,024 alleles (0.0019%); highest among the groups gnomAD compares: African/African-American, 0.004%; no homozygotes.

Submission:

Labcorp Genetics (formerly Invitae), Labcorp
Classification: Uncertain significance. Last evaluated: 2022-09-23. Review status: criteria provided, single submitter. Criteria: Invitae Variant Classification Sherloc (09022015). Collection method: clinical testing. Allele origin: germline.
Comment: This sequence change replaces arginine, which is basic and polar, with tryptophan, which is neutral and slightly polar, at codon 1486 of the FAT4 protein (p.Arg1486Trp). This variant is present in population databases (rs771110417, gnomAD 0.02%). This variant has not been reported in the literature in individuals affected with FAT4-related conditions. Advanced modeling of protein sequence and biophysical properties (such as structural, functional, and spatial information, amino acid conservation, physicochemical variation, residue mobility, and thermodynamic stability) performed at Invitae indicates that this missense variant is not expected to disrupt FAT4 protein function. In summary, the available evidence is currently insufficient to determine the role of this variant in disease. Therefore, it has been classified as a Variant of Uncertain Significance.